The following is an entry in ClinVar:

ClinVar aggregate classification (germline): Uncertain significance (1 of 4 stars; one submission).

Conditions:
3-methylcrotonyl-CoA carboxylase 1 deficiency (MCC1D). Also called: MCCD TYPE 1; METHYLCROTONYLGLYCINURIA TYPE I; MCC 1 deficiency; 3 Alpha methylcrotonylglycinuria 1. Identifiers: Orphanet 6, MedGen CN028786, MONDO:0008861, OMIM 210200.

Submission:

Labcorp Genetics (formerly Invitae), Labcorp
Classification: Uncertain significance for 3-methylcrotonyl-CoA carboxylase 1 deficiency. Last evaluated: 2021-10-14. Review status: criteria provided, single submitter. Criteria: Invitae Variant Classification Sherloc (09022015). Collection method: clinical testing. Allele origin: germline.
Comment: This sequence change replaces alanine with glutamic acid at codon 291 of the MCCC1 protein (p.Ala291Glu). The alanine residue is moderately conserved and there is a moderate physicochemical difference between alanine and glutamic acid. This variant is not present in population databases (ExAC no frequency). This variant has not been reported in the literature in individuals affected with MCCC1-related conditions. Algorithms developed to predict the effect of missense changes on protein structure and function are either unavailable or do not agree on the potential impact of this missense change (SIFT: "Deleterious"; PolyPhen-2: "Probably Damaging"; Align-GVGD: "Class C15"). This variant disrupts the p.Ala291 amino acid residue in MCCC1. Other variant(s) that disrupt this residue have been determined to be pathogenic (PMID: 16010683, 30626930; Invitae). This suggests that this residue is clinically significant, and that variants that disrupt this residue are likely to be disease-causing. In summary, the available evidence is currently insufficient to determine the role of this variant in disease. Therefore, it has been classified as a Variant of Uncertain Significance.

Literature cited by the submitters: PubMed 16010683; PubMed 30626930.

NM_020166.5(MCCC1):c.872C>A (p.Ala291Glu)

Gene: MCCC1 (methylcrotonyl-CoA carboxylase subunit 1; minus strand). Cytogenetic location: 3q27.1.
Variant type: single nucleotide variant.
Coding change: c.872C>A on transcript NM_020166.5 (MANE Select); coding-DNA position 872, C replaced by A.
Protein change: p.Ala291Glu; replaces alanine 291 with glutamic acid.
Molecular consequence: missense variant. On other transcripts: non-coding transcript variant (2).
Genome position (GRCh38, 1-based): chr3:183,057,312, G>T on the plus strand (C>A on the coding strand, the complement: MCCC1 is on the minus strand). VCF-style: chr3-183057312-G-T. GRCh37 (hg19) VCF-style: chr3-182775100-G-T.
Other names: c.521C>A, p.Ala174Glu (NM_001293273.2); c.545C>A, p.Ala182Glu (NM_001363880.1); short protein forms A174E, A182E, A291E.
Identifiers: ClinVar variation 1424197 (VCV001424197.5), dbSNP rs201041864, ClinGen allele CA355327557.